The following is an entry in ClinVar:

NM_207037.2(TCF12):c.465dup (p.Tyr156fs)

Gene: TCF12 (transcription factor 12; plus strand). Cytogenetic location: 15q21.3.
Variant type: Duplication.
Coding change: c.465dup on transcript NM_207037.2 (MANE Select); coding-DNA position 465, one base duplicated (A; older notation c.465dupA).
Protein change: p.Tyr156fs; shifts the reading frame from tyrosine 156.
Molecular consequence: frameshift variant. On other transcripts: 5 prime UTR variant (1).
Genome position (GRCh38, 1-based): chr15:57,192,232, A duplicated. VCF-style (leftmost placement, unchanged base first): chr15-57192231-C-CA. GRCh37 (hg19) VCF-style: chr15-57484429-C-CA.
Other names: c.465dup, p.Tyr156fs (NM_001322151.2, NM_001322152.2, NM_001322157.3 and 7 more transcripts); c.-193dup (NM_001322154.2); c.291dup, p.Tyr98fs (NM_001322156.2, NM_001322158.2); c.501dup, p.Tyr168fs (NM_001322164.2); short protein forms Y156fs, Y168fs, Y98fs.
Identifiers: ClinVar variation 3382394 (VCV003382394.2).
Genomic context (GRCh38, chr15:57,192,231, plus strand): 5'-GACAAGATCTGGGGCTTGGGAGCCCAGCACAGCTATCTTCTTCAGGAAAACCTGGGACAG[C>CA]ATACTATTCATTCTCTGCTACAAGTTCCAGGAGGAGACCACTCCATGACTCTGCAGCGCT-3'

ClinVar aggregate classification (germline): Likely pathogenic (1 of 4 stars; one submission).

Conditions:
TCF12-related craniosynostosis. Also called: Craniosynostosis 3. Identifiers: Orphanet 35098, Orphanet 35099, Orphanet 672979, MedGen C3715051, MONDO:0014128, OMIM 615314.
Hypogonadotropic hypogonadism 26 with or without anosmia (HH26). Identifiers: MedGen C5676903, MONDO:0030534, OMIM 619718.

Submission:

Juno Genomics, Hangzhou Juno Genomics, Inc
Classification: Likely pathogenic for TCF12-related craniosynostosis; Hypogonadotropic hypogonadism 26 with or without anosmia. Review status: criteria provided, single submitter. Criteria: ACMG Guidelines, 2015. Collection method: clinical testing. Allele origin: germline. Affected: yes.
Comment: Absent from controls (or at extremely low frequency if recessive) in Genome Aggregation Database, Exome Sequencing Project, 1000 Genomes Project, or Exome Aggregation Consortium.;Null variant in a gene where loss of function (LOF) is a known mechanism of disease.